The following is an entry in ClinVar:

ClinVar aggregate classification (germline): Uncertain significance (1 of 4 stars; one submission).

Conditions:
Primary ciliary dyskinesia 6. Also called: Primary Ciliary Dyskinesia 6: TXNDC3-Related Primary Ciliary Dyskinesia. Identifiers: Orphanet 244, MedGen C1970506, MONDO:0012571, OMIM 610852.

gnomAD v4.1: 3 of 1,595,420 alleles (0.00019%); highest among the groups gnomAD compares: African/African-American, 0.0027%; no homozygotes.

Submission:

Labcorp Genetics (formerly Invitae), Labcorp
Classification: Uncertain significance for Primary ciliary dyskinesia 6. Last evaluated: 2025-08-29. Review status: criteria provided, single submitter. Criteria: Invitae Variant Classification Sherloc (09022015). Collection method: clinical testing. Allele origin: germline.
Comment: This sequence change replaces serine, which is neutral and polar, with glycine, which is neutral and non-polar, at codon 416 of the NME8 protein (p.Ser416Gly). This variant is not present in population databases (gnomAD no frequency). This variant has not been reported in the literature in individuals affected with NME8-related conditions. An algorithm developed to predict the effect of missense changes on protein structure and function (PolyPhen-2) suggests that this variant is likely to be disruptive. Algorithms developed to predict the effect of sequence changes on RNA splicing suggest that this variant may disrupt the consensus splice site. In summary, the available evidence is currently insufficient to determine the role of this variant in disease. Therefore, it has been classified as a Variant of Uncertain Significance.

NM_016616.5(NME8):c.1246A>G (p.Ser416Gly)

Gene: NME8 (NME/NM23 family member 8; plus strand). Cytogenetic location: 7p14.1.
Variant type: single nucleotide variant.
Coding change: c.1246A>G on transcript NM_016616.5 (MANE Select); coding-DNA position 1246, A replaced by G.
Protein change: p.Ser416Gly; replaces serine 416 with glycine.
Molecular consequence: missense variant.
Genome position (GRCh38, 1-based): chr7:37,885,251, A>G. VCF-style: chr7-37885251-A-G. GRCh37 (hg19) VCF-style: chr7-37924853-A-G.
Other names: short protein forms S416G.
Identifiers: ClinVar variation 4693053 (VCV004693053.1).